The following is an entry in ClinVar:

NM_031935.3(HMCN1):c.10543G>A (p.Val3515Ile)

Gene: HMCN1 (hemicentin 1; plus strand). Cytogenetic location: 1q31.1.
Variant type: single nucleotide variant.
Coding change: c.10543G>A on transcript NM_031935.3 (MANE Select); coding-DNA position 10543, G replaced by A.
Protein change: p.Val3515Ile; replaces valine 3515 with isoleucine.
Molecular consequence: missense variant.
Genome position (GRCh38, 1-based): chr1:186,095,491, G>A. VCF-style: chr1-186095491-G-A. GRCh37 (hg19) VCF-style: chr1-186064623-G-A.
Other names: c.10543G>A (NM_031935.2); short protein forms V3515I.
Identifiers: ClinVar variation 3695740 (VCV003695740.3).

ClinVar aggregate classification (germline): Uncertain significance. Review status: criteria provided, multiple submitters, no conflicts (2 of 4 stars). 2 submissions from 2 submitters: Uncertain significance (2). Last evaluated 2025-01-24.

gnomAD v4.1: 2 of 1,613,642 alleles (0.00012%); highest among the groups gnomAD compares: Admixed American, 0.0033%; no homozygotes.

Submissions (2):

Ambry Genetics
Classification: Uncertain significance. Last evaluated: 2025-01-24. Review status: criteria provided, single submitter. Criteria: Ambry Variant Classification Scheme 2023. Collection method: clinical testing. Allele origin: germline.

Labcorp Genetics (formerly Invitae), Labcorp
Classification: Uncertain significance. Last evaluated: 2024-09-10. Review status: criteria provided, single submitter. Criteria: Invitae Variant Classification Sherloc (09022015). Collection method: clinical testing. Allele origin: germline.
Comment: This sequence change replaces valine, which is neutral and non-polar, with isoleucine, which is neutral and non-polar, at codon 3515 of the HMCN1 protein (p.Val3515Ile). This variant is present in population databases (no rsID available, gnomAD 0.003%). This variant has not been reported in the literature in individuals affected with HMCN1-related conditions. An algorithm developed to predict the effect of missense changes on protein structure and function outputs the following: PolyPhen-2: "Benign". The isoleucine amino acid residue is found in multiple mammalian species, which suggests that this missense change does not adversely affect protein function. In summary, the available evidence is currently insufficient to determine the role of this variant in disease. Therefore, it has been classified as a Variant of Uncertain Significance.